The following is an entry in ClinVar:

ClinVar aggregate classification (germline): Likely benign. Review status: criteria provided, multiple submitters, no conflicts (2 of 4 stars). 2 submissions from 2 submitters: Likely benign (2). Last evaluated 2025-10-31.

Conditions:
Multiple endocrine neoplasia, type 1 (MEN1). Also called: MEN I; WERMER SYNDROME; Endocrine adenomatosis multiple; MEN 1; MEA I. Identifiers: Orphanet 652, MedGen C0025267, MeSH D018761, MONDO:0007540, OMIM 131100.

Allele frequency attached by ClinVar (database versions not stated): gnomAD exomes below 0.00001.
gnomAD v4.1: 7 of 1,613,994 alleles (0.00043%); highest among the groups gnomAD compares: African/African-American, 0.0027%; no homozygotes.

Submissions (2):

Labcorp Genetics (formerly Invitae), Labcorp
Classification: Likely benign for Multiple endocrine neoplasia, type 1. Last evaluated: 2025-10-31. Review status: criteria provided, single submitter. Criteria: Invitae Variant Classification Sherloc (09022015). Collection method: clinical testing. Allele origin: germline.

All of Us Research Program, National Institutes of Health
Classification: Likely benign for Multiple endocrine neoplasia, type 1. Last evaluated: 2023-06-26. Review status: criteria provided, single submitter. Criteria: ACMG Guidelines, 2015. Collection method: clinical testing. Allele origin: germline. Inheritance: Autosomal dominant inheritance. Observed: 1 variant allele, 1 heterozygote.
Comment: This study involves interpretation of variants in research participants for the purpose of population health screening. Participant phenotype was not available at the time of variant classification. Additional details can be found in publication PMID: 35346344, PMCID: PMC8962531

NM_001370259.2(MEN1):c.655-7C>T

Gene: MEN1 (menin 1; minus strand). Cytogenetic location: 11q13.1.
Variant type: single nucleotide variant.
Coding change: c.655-7C>T on transcript NM_001370259.2 (MANE Select); 7 bases into the intron before coding-DNA position 655, C replaced by T.
Molecular consequence: intron variant.
Genome position (GRCh38, 1-based): chr11:64,807,687, G>A on the plus strand (C>T on the coding strand, the complement: MEN1 is on the minus strand). VCF-style: chr11-64807687-G-A. GRCh37 (hg19) VCF-style: chr11-64575159-G-A.
Other names: c.670-7C>T (NM_130804.3, NM_130803.3, NM_000244.4 and 3 more transcripts); c.655-7C>T (NM_130799.3, NM_001370260.2, NM_001370251.2 and 1 more transcripts); c.550-7C>T (NM_001370263.2, NM_001370262.2).
Identifiers: ClinVar variation 1112699 (VCV001112699.10), dbSNP rs771297371, ClinGen allele CA599804022.